The following is an entry in ClinVar:

NM_012123.4(MTO1):c.1463G>A (p.Arg488Gln)

Gene: MTO1 (mitochondrial tRNA translation optimization 1; plus strand). Cytogenetic location: 6q13.
Variant type: single nucleotide variant.
Coding change: c.1463G>A on transcript NM_012123.4 (MANE Select); coding-DNA position 1463, G replaced by A.
Protein change: p.Arg488Gln; replaces arginine 488 with glutamine.
Molecular consequence: missense variant.
Genome position (GRCh38, 1-based): chr6:73,482,242, G>A. VCF-style: chr6-73482242-G-A. GRCh37 (hg19) VCF-style: chr6-74191965-G-A.
Other names: c.1583G>A, p.Arg528Gln (NM_001123226.2); c.1538G>A, p.Arg513Gln (NM_133645.3); c.1583G>A (NM_001123226.1); short protein forms R513Q, R528Q, R488Q.
Identifiers: ClinVar variation 1472102 (VCV001472102.4), dbSNP rs552919722, ClinGen allele CA3889646.

ClinVar aggregate classification (germline): Uncertain significance. Review status: criteria provided, multiple submitters, no conflicts (2 of 4 stars). 2 submissions from 2 submitters: Uncertain significance (2). Last evaluated 2025-03-18.

Conditions:
Inborn genetic diseases. Identifiers: MedGen C0950123, MeSH D030342.
Mitochondrial hypertrophic cardiomyopathy with lactic acidosis due to MTO1 deficiency. Also called: CARDIOMYOPATHY, INFANTILE HYPERTROPHIC MITOCHONDRIAL, AND LACTIC ACIDOSIS; Combined oxidative phosphorylation deficiency 10. Identifiers: Orphanet 314637, MedGen C4749921, MONDO:0013865, OMIM 614702.

Allele frequency attached by ClinVar (database versions not stated): gnomAD exomes 0.00001; TOPMed 0.00001; gnomAD 0.00001; ExAC 0.00001.
gnomAD v4.1: 15 of 1,613,874 alleles (0.00093%); highest among the groups gnomAD compares: African/African-American, 0.0027%; no homozygotes.

Submissions (2):

Ambry Genetics
Classification: Uncertain significance for Inborn genetic diseases. Last evaluated: 2025-03-18. Review status: criteria provided, single submitter. Criteria: Ambry Variant Classification Scheme 2023. Collection method: clinical testing. Allele origin: germline.

Labcorp Genetics (formerly Invitae), Labcorp
Classification: Uncertain significance for Mitochondrial hypertrophic cardiomyopathy with lactic acidosis due to MTO1 deficiency. Last evaluated: 2021-11-07. Review status: criteria provided, single submitter. Criteria: Invitae Variant Classification Sherloc (09022015). Collection method: clinical testing. Allele origin: germline.
Comment: This sequence change replaces arginine, which is basic and polar, with glutamine, which is neutral and polar, at codon 488 of the MTO1 protein (p.Arg488Gln). This variant is present in population databases (rs552919722, gnomAD 0.009%). This variant has not been reported in the literature in individuals affected with MTO1-related conditions. Algorithms developed to predict the effect of missense changes on protein structure and function are either unavailable or do not agree on the potential impact of this missense change (SIFT: "Tolerated"; PolyPhen-2: "Possibly Damaging"; Align-GVGD: "Class C0"). In summary, the available evidence is currently insufficient to determine the role of this variant in disease. Therefore, it has been classified as a Variant of Uncertain Significance.